The following is an entry in ClinVar:

ClinVar aggregate classification (germline): Uncertain significance (1 of 4 stars; one submission).

Conditions:
Hereditary cancer-predisposing syndrome. Also called: Tumor predisposition; Hereditary Cancer Syndrome; Hereditary neoplastic syndrome; Neoplastic Syndromes, Hereditary. Identifiers: Orphanet 140162, MedGen C0027672, MeSH D009386, MONDO:0015356.

Submission:

Ambry Genetics
Classification: Uncertain significance for Hereditary cancer-predisposing syndrome. Last evaluated: 2023-08-03. Review status: criteria provided, single submitter. Criteria: Ambry Variant Classification Scheme 2023. Collection method: clinical testing. Allele origin: germline.
Comment: The p.V121G variant (also known as c.362T>G), located in coding exon 2 of the PDGFRA gene, results from a T to G substitution at nucleotide position 362. The valine at codon 121 is replaced by glycine, an amino acid with dissimilar properties. This amino acid position is conserved. In addition, this alteration is predicted to be deleterious by in silico analysis. Since supporting evidence is limited at this time, the clinical significance of this alteration remains unclear.

NM_006206.6(PDGFRA):c.362T>G (p.Val121Gly)

Gene: PDGFRA (platelet derived growth factor receptor alpha; plus strand). Cytogenetic location: 4q12.
Variant type: single nucleotide variant.
Coding change: c.362T>G on transcript NM_006206.6 (MANE Select); coding-DNA position 362, T replaced by G.
Protein change: p.Val121Gly; replaces valine 121 with glycine.
Molecular consequence: missense variant.
Genome position (GRCh38, 1-based): chr4:54,261,407, T>G. VCF-style: chr4-54261407-T-G. GRCh37 (hg19) VCF-style: chr4-55127574-T-G.
Other names: c.362T>G, p.Val121Gly (NM_001347827.2, NM_001347829.2); c.437T>G, p.Val146Gly (NM_001347828.2); c.401T>G, p.Val134Gly (NM_001347830.2); short protein forms V121G, V134G, V146G.
Identifiers: ClinVar variation 2587723 (VCV002587723.2), dbSNP rs2110243774, ClinGen allele CA356889112.
Genomic context (GRCh38, chr4:54,261,407, plus strand): 5'-ATTACAACCACACTCAGACAGAAGAGAATGAGCTTGAAGGCAGGCACATTTACATCTATG[T>G]GCCAGGTGAGTTGGCTGGGTCTCCAGGACCAAGCTTCTTCTCTTCCTGTCTCTCCTGTTA-3'
Protein context (NP_006197.1, residues 111-131): ELEGRHIYIY[Val121Gly]PDPDVAFVPL